The following is an entry in ClinVar:

ClinVar aggregate classification (germline): Uncertain significance. Review status: criteria provided, multiple submitters, no conflicts (2 of 4 stars). 2 submissions from 2 submitters: Uncertain significance (2). Last evaluated 2024-10-28.

Conditions:
Cardiovascular phenotype. Identifiers: MedGen CN230736.
Dilated cardiomyopathy 1DD (CMD1DD). Identifiers: Orphanet 154, MedGen C2750995, MONDO:0013168, OMIM 613172.

Allele frequency attached by ClinVar (database versions not stated): gnomAD exomes below 0.00001; gnomAD 0.00001; TOPMed 0.00001.

Submissions (2):

Ambry Genetics
Classification: Uncertain significance for Cardiovascular phenotype. Last evaluated: 2024-10-28. Review status: criteria provided, single submitter. Criteria: Ambry Variant Classification Scheme 2023. Collection method: clinical testing. Allele origin: germline.
Comment: The p.P981L variant (also known as c.2942C>T), located in coding exon 11 of the RBM20 gene, results from a C to T substitution at nucleotide position 2942. The proline at codon 981 is replaced by leucine, an amino acid with similar properties. This amino acid position is conserved. In addition, this alteration is predicted to be tolerated by in silico analysis. Based on the available evidence, the clinical significance of this variant remains unclear.

Labcorp Genetics (formerly Invitae), Labcorp
Classification: Uncertain significance for Dilated cardiomyopathy 1DD. Last evaluated: 2021-03-24. Review status: criteria provided, single submitter. Criteria: Invitae Variant Classification Sherloc (09022015). Collection method: clinical testing. Allele origin: germline.
Comment: This sequence change replaces proline with leucine at codon 981 of the RBM20 protein (p.Pro981Leu). The proline residue is highly conserved and there is a moderate physicochemical difference between proline and leucine. This variant is not present in population databases (ExAC no frequency). This variant has not been reported in the literature in individuals with RBM20-related conditions. Advanced modeling of protein sequence and biophysical properties (such as structural, functional, and spatial information, amino acid conservation, physicochemical variation, residue mobility, and thermodynamic stability) performed at Invitae indicates that this missense variant is not expected to disrupt RBM20 protein function. In summary, the available evidence is currently insufficient to determine the role of this variant in disease. Therefore, it has been classified as a Variant of Uncertain Significance.

NM_001134363.3(RBM20):c.2942C>T (p.Pro981Leu)

Gene: RBM20 (RNA binding motif protein 20; plus strand). Cytogenetic location: 10q25.2.
Variant type: single nucleotide variant.
Coding change: c.2942C>T on transcript NM_001134363.3 (MANE Select); coding-DNA position 2942, C replaced by T.
Protein change: p.Pro981Leu; replaces proline 981 with leucine.
Molecular consequence: missense variant.
Genome position (GRCh38, 1-based): chr10:110,821,561, C>T. VCF-style: chr10-110821561-C-T. GRCh37 (hg19) VCF-style: chr10-112581319-C-T.
Other names: c.2942C>T (NM_001134363.1); short protein forms P981L.
Identifiers: ClinVar variation 1466539 (VCV001466539.9), dbSNP rs1460424271, ClinGen allele CA378378523.
Genomic context (GRCh38, chr10:110,821,561, plus strand): 5'-TCCCCAAGGAAGGAGTCAAGGCCGTAGGGAATGGGGCTGCAGAAATCAGCCTCAAGTCAC[C>T]CAGAGAACTGCCCTCTGCTTCCACAAGCTGTCCCAGTGACATGGACGTGGAAATGCCTGG-3'
Protein context (NP_001127835.2, residues 971-991): NGAAEISLKS[Pro981Leu]RELPSASTSC